The following is an entry in ClinVar:

ClinVar aggregate classification (germline): Uncertain significance (1 of 4 stars; one submission).

gnomAD v4.1: 1 of 1,614,176 alleles (0.000062%); highest among the groups gnomAD compares: Admixed American, 0.0017%; no homozygotes.

Submission:

Labcorp Genetics (formerly Invitae), Labcorp
Classification: Uncertain significance. Last evaluated: 2022-01-15. Review status: criteria provided, single submitter. Criteria: Invitae Variant Classification Sherloc (09022015). Collection method: clinical testing. Allele origin: germline.
Comment: This variant is not present in population databases (gnomAD no frequency). This variant has not been reported in the literature in individuals affected with CLDN1-related conditions. Algorithms developed to predict the effect of missense changes on protein structure and function (SIFT, PolyPhen-2, Align-GVGD) all suggest that this variant is likely to be tolerated. In summary, the available evidence is currently insufficient to determine the role of this variant in disease. Therefore, it has been classified as a Variant of Uncertain Significance. This sequence change replaces methionine, which is neutral and non-polar, with threonine, which is neutral and polar, at codon 105 of the CLDN1 protein (p.Met105Thr).

NM_021101.5(CLDN1):c.314T>C (p.Met105Thr)

Genes: CLDN1 (claudin 1; minus strand), CLDN16 (claudin 16; plus strand). Cytogenetic location: 3q28.
Variant type: single nucleotide variant.
Coding change: c.314T>C on transcript NM_021101.5 (MANE Select); coding-DNA position 314, T replaced by C.
Protein change: p.Met105Thr; replaces methionine 105 with threonine.
Molecular consequence: missense variant. On other transcripts: intron variant (2).
Genome position (GRCh38, 1-based): chr3:190,312,946, A>G on the plus strand (T>C on the coding strand, the complement: CLDN1 is on the minus strand). VCF-style: chr3-190312946-A-G. GRCh37 (hg19) VCF-style: chr3-190030735-A-G.
Other names: c.-445-1947A>G (NM_001378492.1); c.-279+22355A>G (NM_001378493.1); short protein forms M105T.
Identifiers: ClinVar variation 2186641 (VCV002186641.3), dbSNP rs1163948172, ClinGen allele CA355756488.